The following is an entry in ClinVar:

ClinVar aggregate classification (germline): Likely pathogenic (1 of 4 stars; one submission).

Conditions:
Dilated cardiomyopathy 1G (CMD1G). Identifiers: Orphanet 154, MedGen C1858763, MONDO:0011400, OMIM 604145.
Autosomal recessive limb-girdle muscular dystrophy type 2J (LGMDR10). Also called: Limb-girdle muscular dystrophy, type 2J; MUSCULAR DYSTROPHY, LIMB-GIRDLE, AUTOSOMAL RECESSIVE 10. Identifiers: Orphanet 140922, MedGen C1837342, MONDO:0012127, OMIM 608807.

Submission:

Labcorp Genetics (formerly Invitae), Labcorp
Classification: Likely pathogenic for Dilated cardiomyopathy 1G; Autosomal recessive limb-girdle muscular dystrophy type 2J. Last evaluated: 2023-03-16. Review status: criteria provided, single submitter. Criteria: Invitae Variant Classification Sherloc (09022015). Collection method: clinical testing. Allele origin: germline.
Comment: This variant is located in the A band of TTN (PMID: 25589632). Truncating variants in this region are significantly overrepresented in patients affected with dilated cardiomyopathy (PMID: 25589632). Truncating variants in this region have also been reported in individuals affected with autosomal recessive centronuclear myopathy (PMID: 23975875). In summary, the currently available evidence indicates that the variant is pathogenic, but additional data are needed to prove that conclusively. Therefore, this variant has been classified as Likely Pathogenic. ClinVar contains an entry for this variant (Variation ID: 952175). This sequence change creates a premature translational stop signal (p.Leu23633Profs*17) in the TTN gene. While this is not anticipated to result in nonsense mediated decay, it is expected to create a truncated TTN protein. This variant is not present in population databases (gnomAD no frequency). This premature translational stop signal has been observed in individual(s) with clinical features of limb-girdle muscular dystrophy (PMID: 35741838).

Literature cited by the submitters: PubMed 25589632; PubMed 23975875; PubMed 35741838.

NM_001267550.2(TTN):c.70897dup (p.Leu23633fs)

Genes: TTN-AS1 (TTN antisense RNA 1; plus strand), TTN (titin; minus strand). Cytogenetic location: 2q31.2.
Variant type: Duplication.
Coding change: c.70897dup on transcript NM_001267550.2 (MANE Select); coding-DNA position 70897, one base duplicated (C; older notation c.70897dupC).
Protein change: p.Leu23633fs; shifts the reading frame from leucine 23633.
Molecular consequence: frameshift variant.
Genome position (GRCh38, 1-based): chr2:178,575,235, G duplicated on the plus strand (C on the coding strand, the reverse complement: TTN is on the minus strand). VCF-style (leftmost placement, unchanged base first): chr2-178575234-A-AG. GRCh37 (hg19) VCF-style: chr2-179439961-A-AG.
Other names: c.65974dup, p.Leu21992fs (NM_001256850.1); c.43702dup, p.Leu14568fs (NM_003319.4); c.63193dup, p.Leu21065fs (NM_133378.4); c.44077dup, p.Leu14693fs (NM_133432.3); c.44278dup, p.Leu14760fs (NM_133437.4); short protein forms L23633fs, L14760fs, L21065fs, L21992fs, L14568fs, L14693fs.
Identifiers: ClinVar variation 952175 (VCV000952175.10), dbSNP rs1709631095, ClinGen allele CA1139657513.